The following is an entry in ClinVar:

NM_000044.4(AR):c.172_174CAG(38_68) (p.Gln80_Glu81insGlnGlnGlnGlnGlnGlnGlnGlnGlnGlnGlnGlnGlnGlnGlnGln)

Genes: AR (androgen receptor; plus strand), LOC109504725 (androgen receptor repeat instability region; plus strand). Cytogenetic location: Xq12.
Variant type: Microsatellite.
Coding change: c.172_174CAG(38_68) on transcript NM_000044.4.
Protein change: p.Gln80_Glu81insGlnGlnGlnGlnGlnGlnGlnGlnGlnGlnGlnGlnGlnGlnGlnGln.
Identifiers: ClinVar variation 417977 (VCV000417977.1).

ClinVar aggregate classification (germline): Pathogenic (0 of 4 stars; one submission).

Conditions:
Kennedy disease (SMAX1). Also called: Spinal and Bulbar Muscular Atrophy; SPINAL AND BULBAR MUSCULAR ATROPHY, X-LINKED 1; KENNEDY SPINAL AND BULBAR MUSCULAR ATROPHY. Identifiers: Orphanet 481, MedGen C1839259, MONDO:0010735, OMIM 313200.

Submission:

GeneReviews
Classification: Pathogenic for Kennedy disease. Last evaluated: 2017-01-26. Review status: no assertion criteria provided. Collection method: literature only. Allele origin: germline.
Comment: CAG 38-? repeats; these are full-penetrance alleles.